The following is an entry in ClinVar:

NM_004568.6(SERPINB6):c.96G>A (p.Met32Ile)

Gene: SERPINB6 (serpin family B member 6; minus strand). Cytogenetic location: 6p25.2.
Variant type: single nucleotide variant.
Coding change: c.96G>A on transcript NM_004568.6 (MANE Select); coding-DNA position 96, G replaced by A.
Protein change: p.Met32Ile; replaces methionine 32 with isoleucine.
Molecular consequence: missense variant. On other transcripts: non-coding transcript variant (1), intron variant (1).
Genome position (GRCh38, 1-based): chr6:2,959,237, C>T on the plus strand (G>A on the coding strand, the complement: SERPINB6 is on the minus strand). VCF-style: chr6-2959237-C-T. GRCh37 (hg19) VCF-style: chr6-2959471-C-T.
Other names: c.108G>A, p.Met36Ile (NM_001195291.3, NM_001374515.1); c.138G>A, p.Met46Ile (NM_001271822.2); c.153G>A, p.Met51Ile (NM_001271823.2); c.96G>A, p.Met32Ile (NM_001271824.2, NM_001271825.2, NM_001297699.2 and 2 more transcripts); c.34-3567G>A (NM_001374517.1); short protein forms M32I, M36I, M46I, M51I.
Identifiers: ClinVar variation 2577835 (VCV002577835.1), dbSNP rs1451752856, ClinGen allele CA362587442.
Genomic context (GRCh38, chr6:2,959,237, plus strand): 5'-CTGTGCAGCGGTGTTTCCCTTTGCCCCCATGTAGACCATGGCCAGGGCACAGGACATGCT[C>T]ATGGGTGAGAAAAACACATTCTTCGAGTTGTCTTTACCCAGCGTTTTCAAAAGGTTTAAG-3'
Protein context (NP_004559.4, residues 22-42): DNSKNVFFSP[Met32Ile]SMSCALAMVY

ClinVar aggregate classification (germline): Uncertain significance (1 of 4 stars; one submission).

Allele frequency attached by ClinVar (database versions not stated): gnomAD exomes below 0.00001; TOPMed 0.00001.
gnomAD v4.1: 2 of 1,614,192 alleles (0.00012%); highest among the groups gnomAD compares: Non-Finnish European, 0.000085%; no homozygotes.

Submission:

GeneDx
Classification: Uncertain significance. Last evaluated: 2023-08-22. Review status: criteria provided, single submitter. Criteria: GeneDx Variant Classification Process June 2021. Collection method: clinical testing. Allele origin: germline. Affected: yes.
Comment: Not observed at significant frequency in large population cohorts (gnomAD); In silico analysis supports that this missense variant does not alter protein structure/function; Has not been previously published as pathogenic or benign to our knowledge